The following is an entry in ClinVar:

NM_004752.4(GCM2):c.1352C>T (p.Ala451Val)

Gene: GCM2 (glial cells missing transcription factor 2; minus strand). Cytogenetic location: 6p24.2.
Variant type: single nucleotide variant.
Coding change: c.1352C>T on transcript NM_004752.4 (MANE Select); coding-DNA position 1352, C replaced by T.
Protein change: p.Ala451Val; replaces alanine 451 with valine.
Molecular consequence: missense variant.
Genome position (GRCh38, 1-based): chr6:10,874,164, G>A on the plus strand (C>T on the coding strand, the complement: GCM2 is on the minus strand). VCF-style: chr6-10874164-G-A. GRCh37 (hg19) VCF-style: chr6-10874397-G-A.
Other names: short protein forms A451V.
Identifiers: ClinVar variation 1999959 (VCV001999959.5), dbSNP rs767754568, ClinGen allele CA3633896.

ClinVar aggregate classification (germline): Uncertain significance. Review status: criteria provided, multiple submitters, no conflicts (2 of 4 stars). 2 submissions from 2 submitters: Uncertain significance (2). Last evaluated 2025-06-12.

Conditions:
Hyperparathyroidism 4 (HRPT4). Identifiers: MedGen C4479229, MONDO:0024570, OMIM 617343.
Hypoparathyroidism, familial isolated, 2. Identifiers: MedGen C5394383, MONDO:0020798, OMIM 618883.

Allele frequency attached by ClinVar (database versions not stated): gnomAD exomes below 0.00001; TOPMed 0.00002; ExAC 0.00001; gnomAD 0.00001.
gnomAD v4.1: 3 of 1,614,102 alleles (0.00019%); highest among the groups gnomAD compares: African/African-American, 0.004%; no homozygotes.

Submissions (2):

Labcorp Genetics (formerly Invitae), Labcorp
Classification: Uncertain significance. Last evaluated: 2025-06-12. Review status: criteria provided, single submitter. Criteria: Invitae Variant Classification Sherloc (09022015). Collection method: clinical testing. Allele origin: germline.
Comment: This sequence change replaces alanine, which is neutral and non-polar, with valine, which is neutral and non-polar, at codon 451 of the GCM2 protein (p.Ala451Val). This variant is present in population databases (rs767754568, gnomAD 0.007%). This variant has not been reported in the literature in individuals affected with GCM2-related conditions. ClinVar contains an entry for this variant (Variation ID: 1999959). An algorithm developed to predict the effect of missense changes on protein structure and function (PolyPhen-2) suggests that this variant is likely to be tolerated. In summary, the available evidence is currently insufficient to determine the role of this variant in disease. Therefore, it has been classified as a Variant of Uncertain Significance.

Fulgent Genetics
Classification: Uncertain significance for Hyperparathyroidism 4; Hypoparathyroidism, familial isolated, 2. Last evaluated: 2024-02-05. Review status: criteria provided, single submitter. Criteria: ACMG Guidelines, 2015. Collection method: clinical testing. Allele origin: germline.